The following is an entry in ClinVar:

NM_001035.3(RYR2):c.7454T>A (p.Leu2485His)

Gene: RYR2 (ryanodine receptor 2; plus strand). Cytogenetic location: 1q43.
Variant type: single nucleotide variant.
Coding change: c.7454T>A on transcript NM_001035.3 (MANE Select); coding-DNA position 7454, T replaced by A.
Protein change: p.Leu2485His; replaces leucine 2485 with histidine.
Molecular consequence: missense variant.
Genome position (GRCh38, 1-based): chr1:237,648,555, T>A. VCF-style: chr1-237648555-T-A. GRCh37 (hg19) VCF-style: chr1-237811855-T-A.
Other names: c.7454T>A, p.Leu2485His (LRG_402t1); short protein forms L2485H.
Identifiers: ClinVar variation 581807 (VCV000581807.14), dbSNP rs1558138015, ClinGen allele CA345398494.

ClinVar aggregate classification (germline): Uncertain significance. Review status: criteria provided, multiple submitters, no conflicts (2 of 4 stars). 2 submissions from 2 submitters: Uncertain significance (2). Last evaluated 2022-04-11.

Conditions:
Catecholaminergic polymorphic ventricular tachycardia 1. Also called: VENTRICULAR TACHYCARDIA, CATECHOLAMINERGIC POLYMORPHIC, 1, WITH OR WITHOUT ATRIAL DYSFUNCTION AND/OR DILATED CARDIOMYOPATHY; RYR2-Related Catecholaminergic Polymorphic Ventricular Tachycardia; VENTRICULAR TACHYCARDIA, STRESS-INDUCED POLYMORPHIC 1. Identifiers: Orphanet 3286, MedGen C1631597, MONDO:0011484, OMIM 604772.

Submissions (2):

GeneDx
Classification: Uncertain significance. Last evaluated: 2022-04-11. Review status: criteria provided, single submitter. Criteria: GeneDx Variant Classification Process June 2021. Collection method: clinical testing. Allele origin: germline. Affected: yes.
Comment: Has not been previously published as pathogenic or benign to our knowledge; Not observed at significant frequency in large population cohorts (gnomAD); In silico analysis supports that this missense variant has a deleterious effect on protein structure/function; Located in one of the three hot-spot regions of the RYR2 gene, where the majority of pathogenic missense variants occur (Medeiros-Domingo et al., 2009); This variant is associated with the following publications: (PMID: 19926015)

Labcorp Genetics (formerly Invitae), Labcorp
Classification: Uncertain significance for Catecholaminergic polymorphic ventricular tachycardia 1. Last evaluated: 2018-08-20. Review status: criteria provided, single submitter. Criteria: Invitae Variant Classification Sherloc (09022015). Collection method: clinical testing. Allele origin: germline.
Comment: In summary, the available evidence is currently insufficient to determine the role of this variant in disease. Therefore, it has been classified as a Variant of Uncertain Significance. Algorithms developed to predict the effect of missense changes on protein structure and function (SIFT, PolyPhen-2, Align-GVGD) all suggest that this variant is likely to be disruptive, but these predictions have not been confirmed by published functional studies and their clinical significance is uncertain. This variant has not been reported in the literature in individuals with RYR2-related disease. This variant is not present in population databases (ExAC no frequency). This sequence change replaces leucine with histidine at codon 2485 of the RYR2 protein (p.Leu2485His). The leucine residue is highly conserved and there is a moderate physicochemical difference between leucine and histidine.